The following is an entry in ClinVar:

ClinVar aggregate classification (germline): Pathogenic (1 of 4 stars; one submission).

Conditions:
Inborn genetic diseases. Identifiers: MedGen C0950123, MeSH D030342.

Submission:

Ambry Genetics
Classification: Pathogenic for Inborn genetic diseases. Last evaluated: 2026-01-09. Review status: criteria provided, single submitter. Criteria: Ambry Variant Classification Scheme 2023. Collection method: clinical testing. Allele origin: germline.
Comment: The c.89delC (p.A30Efs*63) alteration, located in exon 2 (coding exon 1) of the SCN2A gene, consists of a deletion of one nucleotide at position 89, causing a translational frameshift with a predicted alternate stop codon after 63 amino acids. This alteration is expected to result in loss of function by premature protein truncation or nonsense-mediated mRNA decay. for SCN2A-related neurodevelopmental disorder; however, its clinical significance for SCN2A-related developmental and epileptic encephalopathy and SCN2A-related benign familial infantile seizures is uncertain. This variant was not reported in population-based cohorts in the Genome Aggregation Database (gnomAD). Based on the available evidence, this alteration is classified as pathogenic.

NM_001040142.2(SCN2A):c.89del (p.Ala30fs)

Gene: SCN2A (sodium voltage-gated channel alpha subunit 2; plus strand). Cytogenetic location: 2q24.3.
Variant type: Deletion.
Coding change: c.89del on transcript NM_001040142.2 (MANE Select); coding-DNA position 89, one base deleted (C; older notation c.89delC).
Protein change: p.Ala30fs; shifts the reading frame from alanine 30.
Molecular consequence: frameshift variant.
Genome position (GRCh38, 1-based): chr2:165,295,912, C deleted. VCF-style (leftmost placement, unchanged base first): chr2-165295911-GC-G. GRCh37 (hg19) VCF-style: chr2-166152421-GC-G.
Other names: c.89del, p.Ala30fs (NM_001040143.2, NM_001371246.1, NM_001371247.1 and 1 more transcripts); short protein forms A30fs.
Identifiers: ClinVar variation 4838591 (VCV004838591.1).